The following is an entry in ClinVar:

ClinVar aggregate classification (germline): Uncertain significance (1 of 4 stars; one submission).

Conditions:
Lysinuric protein intolerance (LPI). Identifiers: Orphanet 470, MedGen C0268647, MONDO:0009109, OMIM 222700.

Submission:

Labcorp Genetics (formerly Invitae), Labcorp
Classification: Uncertain significance for Lysinuric protein intolerance. Last evaluated: 2025-07-01. Review status: criteria provided, single submitter. Criteria: Invitae Variant Classification Sherloc (09022015). Collection method: clinical testing. Allele origin: germline.
Comment: This sequence change replaces glutamic acid, which is acidic and polar, with glutamine, which is neutral and polar, at codon 109 of the SLC7A7 protein (p.Glu109Gln). This variant is not present in population databases (gnomAD no frequency). This variant has not been reported in the literature in individuals affected with SLC7A7-related conditions. An algorithm developed to predict the effect of missense changes on protein structure and function (PolyPhen-2) suggests that this variant is likely to be disruptive. Algorithms developed to predict the effect of sequence changes on RNA splicing suggest that this variant may create or strengthen a splice site. In summary, the available evidence is currently insufficient to determine the role of this variant in disease. Therefore, it has been classified as a Variant of Uncertain Significance.

NM_003982.4(SLC7A7):c.325G>C (p.Glu109Gln)

Gene: SLC7A7 (solute carrier family 7 member 7; minus strand). Cytogenetic location: 14q11.2.
Variant type: single nucleotide variant.
Coding change: c.325G>C on transcript NM_003982.4 (MANE Select); coding-DNA position 325, G replaced by C.
Protein change: p.Glu109Gln; replaces glutamic acid 109 with glutamine.
Molecular consequence: missense variant.
Genome position (GRCh38, 1-based): chr14:22,813,074, C>G on the plus strand (G>C on the coding strand, the complement: SLC7A7 is on the minus strand). VCF-style: chr14-22813074-C-G. GRCh37 (hg19) VCF-style: chr14-23282283-C-G.
Other names: c.325G>C, p.Glu109Gln (NM_001126105.3, NM_001126106.4); short protein forms E109Q.
Identifiers: ClinVar variation 4737411 (VCV004737411.1).